The following is an entry in ClinVar:

NM_001253852.3(AP4B1):c.1217G>A (p.Arg406Gln)

Genes: AP4B1 (adaptor related protein complex 4 subunit beta 1; minus strand), AP4B1-AS1 (AP4B1 antisense RNA 1; plus strand). Cytogenetic location: 1p13.2.
Variant type: single nucleotide variant.
Coding change: c.1217G>A on transcript NM_001253852.3 (MANE Select); coding-DNA position 1217, G replaced by A.
Protein change: p.Arg406Gln; replaces arginine 406 with glutamine.
Molecular consequence: missense variant. On other transcripts: non-coding transcript variant (2).
Genome position (GRCh38, 1-based): chr1:113,897,925, C>T on the plus strand (G>A on the coding strand, the complement: AP4B1 is on the minus strand). VCF-style: chr1-113897925-C-T. GRCh37 (hg19) VCF-style: chr1-114440547-C-T.
Other names: c.920G>A, p.Arg307Gln (NM_001253853.3); c.713G>A, p.Arg238Gln (NM_001308312.2); c.1217G>A, p.Arg406Gln (NM_006594.5); short protein forms R406Q, R238Q, R307Q.
Identifiers: ClinVar variation 588907 (VCV000588907.8), dbSNP rs145803736, ClinGen allele CA1015853.

ClinVar aggregate classification (germline): Uncertain significance. Review status: criteria provided, multiple submitters, no conflicts (2 of 4 stars). 3 submissions from 3 submitters: Uncertain significance (3). Last evaluated 2025-12-04.

Conditions:
Hereditary spastic paraplegia 47. Also called: adaptor protein 4 (AP-4) deficiency syndrome; Spastic paraplegia 47, autosomal recessive; CEREBRAL PALSY, SPASTIC QUADRIPLEGIC, 5. Identifiers: Orphanet 280763, MedGen C3279738, MONDO:0013551, OMIM 614066.
Inborn genetic diseases. Identifiers: MedGen C0950123, MeSH D030342.

Allele frequency attached by ClinVar (database versions not stated): gnomAD exomes 0.00002 and 0.00003; TOPMed 0.00002; 1000 Genomes Project 0.00020; 1000 Genomes Project 30x 0.00016; ESP Exome Variant Server 0.00008; ExAC 0.00002; gnomAD 0.00003.

Submissions (3):

Ambry Genetics
Classification: Uncertain significance for Inborn genetic diseases. Last evaluated: 2025-12-04. Review status: criteria provided, single submitter. Criteria: Ambry Variant Classification Scheme 2023. Collection method: clinical testing. Allele origin: germline.

Genome-Nilou Lab
Classification: Uncertain significance for Hereditary spastic paraplegia 47. Last evaluated: 2023-04-11. Review status: criteria provided, single submitter. Criteria: ACMG Guidelines, 2015. Collection method: clinical testing. Allele origin: germline. Affected: no.

Labcorp Genetics (formerly Invitae), Labcorp
Classification: Uncertain significance for Hereditary spastic paraplegia 47. Last evaluated: 2022-06-08. Review status: criteria provided, single submitter. Criteria: Invitae Variant Classification Sherloc (09022015). Collection method: clinical testing. Allele origin: germline.
Comment: This sequence change replaces arginine, which is basic and polar, with glutamine, which is neutral and polar, at codon 406 of the AP4B1 protein (p.Arg406Gln). This variant is present in population databases (rs145803736, gnomAD 0.03%). This variant has not been reported in the literature in individuals affected with AP4B1-related conditions. ClinVar contains an entry for this variant (Variation ID: 588907). Algorithms developed to predict the effect of missense changes on protein structure and function are either unavailable or do not agree on the potential impact of this missense change (SIFT: "Tolerated"; PolyPhen-2: "Possibly Damaging"; Align-GVGD: "Class C0"). In summary, the available evidence is currently insufficient to determine the role of this variant in disease. Therefore, it has been classified as a Variant of Uncertain Significance.